The following is an entry in ClinVar:

ClinVar aggregate classification (germline): Uncertain significance (1 of 4 stars; one submission).

Submission:

Labcorp Genetics (formerly Invitae), Labcorp
Classification: Uncertain significance. Last evaluated: 2022-08-19. Review status: criteria provided, single submitter. Criteria: Invitae Variant Classification Sherloc (09022015). Collection method: clinical testing. Allele origin: germline.
Comment: In summary, the available evidence is currently insufficient to determine the role of this variant in disease. Therefore, it has been classified as a Variant of Uncertain Significance. Experimental studies and prediction algorithms are not available or were not evaluated, and the functional significance of this variant is currently unknown. This variant has not been reported in the literature in individuals affected with NPAT-related conditions. This variant results in a copy number gain of the genomic region encompassing exon(s) 1 of the NPAT gene. This region includes the initiator codon of the gene. This copy number gain extends beyond the assayed region for this gene and therefore may encompass additional genes. As the precise location of this event is unknown, it may be in tandem or it may be located elsewhere in the genome.

NC_000011.9:g.(?_108093207)_(108093921_?)dup

Genes: ATM (ATM serine/threonine kinase; plus strand), NPAT (nuclear protein, coactivator of histone transcription; minus strand). Cytogenetic location: 11q22.3.
Variant type: Duplication.
Identifiers: ClinVar variation 2424475 (VCV002424475.4).